The following is an entry in ClinVar:

ClinVar aggregate classification (germline): Uncertain significance. Review status: criteria provided, single submitter (1 of 4 stars). 2 submissions from 2 submitters: Uncertain significance (1). 1 of the submissions does not count toward it. Last evaluated 2022-10-13.

Conditions:
Spongy degeneration of central nervous system. Also called: ACY2 DEFICIENCY; AMINOACYLASE 2 DEFICIENCY; ASP DEFICIENCY; ASPA DEFICIENCY; ASPARTOACYLASE DEFICIENCY; CANAVAN-VAN BOGAERT-BERTRAND DISEASE. Identifiers: Orphanet 141, MedGen C0206307, MONDO:0010079, OMIM 271900.

Submissions (2):

Labcorp Genetics (formerly Invitae), Labcorp
Classification: Uncertain significance for Spongy degeneration of central nervous system. Last evaluated: 2022-10-13. Review status: criteria provided, single submitter. Criteria: Invitae Variant Classification Sherloc (09022015). Collection method: clinical testing. Allele origin: germline.
Comment: In summary, the available evidence is currently insufficient to determine the role of this variant in disease. Therefore, it has been classified as a Variant of Uncertain Significance. Algorithms developed to predict the effect of missense changes on protein structure and function (SIFT, PolyPhen-2, Align-GVGD) all suggest that this variant is likely to be disruptive. ClinVar contains an entry for this variant (Variation ID: 1441912). This variant has not been reported in the literature in individuals affected with ASPA-related conditions. This variant is not present in population databases (gnomAD no frequency). This sequence change replaces alanine, which is neutral and non-polar, with glycine, which is neutral and non-polar, at codon 189 of the ASPA protein (p.Ala189Gly).

Natera, Inc.
Classification: Uncertain significance for Canavan Disease. Last evaluated: 2025-01-29. Review status: no assertion criteria provided. Collection method: clinical testing. Allele origin: germline. Not counted in ClinVar's aggregate classification.

NM_000049.4(ASPA):c.566C>G (p.Ala189Gly)

Genes: ASPA (aspartoacylase; plus strand), SPATA22 (spermatogenesis associated 22; minus strand). Cytogenetic location: 17p13.2.
Variant type: single nucleotide variant.
Coding change: c.566C>G on transcript NM_000049.4 (MANE Select); coding-DNA position 566, C replaced by G.
Protein change: p.Ala189Gly; replaces alanine 189 with glycine.
Molecular consequence: missense variant. On other transcripts: intron variant (2).
Genome position (GRCh38, 1-based): chr17:3,489,274, C>G. VCF-style: chr17-3489274-C-G. GRCh37 (hg19) VCF-style: chr17-3392568-C-G.
Other names: c.566C>G, p.Ala189Gly (NM_001128085.1); c.-73-19876G>C (NM_001321336.2, NM_001321337.2); short protein forms A189G.
Identifiers: ClinVar variation 1441912 (VCV001441912.6), dbSNP rs2150753573, ClinGen allele CA397684515.